The following is an entry in ClinVar:

ClinVar aggregate classification (germline): Pathogenic. Review status: criteria provided, multiple submitters, no conflicts (2 of 4 stars). 2 submissions from 2 submitters: Pathogenic (2). Last evaluated 2024-12-06.

Conditions:
Ichthyosis vulgaris. Also called: ICHTHYOSIS SIMPLEX; Dominant ichthyosis vulgaris. Identifiers: MedGen C0079584, MONDO:0024304, OMIM 146700.

Allele frequency attached by ClinVar (database versions not stated): ESP Exome Variant Server 0.00008.
gnomAD v4.1: 9 of 1,614,064 alleles (0.00056%); highest among the groups gnomAD compares: Non-Finnish European, 0.00076%; no homozygotes.

Submissions (2):

Women's Health and Genetics/Laboratory Corporation of America, LabCorp
Classification: Pathogenic for Ichthyosis vulgaris. Last evaluated: 2024-12-06. Review status: criteria provided, single submitter. Criteria: LabCorp Variant Classification Summary - May 2015. Collection method: clinical testing. Allele origin: germline.
Comment: Variant summary: FLG c.5930C>G (p.Ser1977X) results in a premature termination codon, predicted to cause a truncation of the encoded protein. Pathogenic truncating variants are found downstream of this codon. The variant allele was found at a frequency of 4e-06 in 251492 control chromosomes (gnomAD). To our knowledge, no occurrence of c.5930C>G in individuals affected with Ichthyosis Vulgaris and no experimental evidence demonstrating its impact on protein function have been reported. ClinVar contains an entry for this variant (Variation ID: 419221). Based on the evidence outlined above, the variant was classified as pathogenic.

GeneDx
Classification: Pathogenic. Last evaluated: 2024-08-09. Review status: criteria provided, single submitter. Criteria: GeneDx Variant Classification Process June 2021. Collection method: clinical testing. Allele origin: germline. Affected: yes.
Comment: Nonsense variant in the C-terminus predicted to result in protein truncation, as the last 2085 amino acids are lost, and other loss-of-function variants have been reported downstream in the Human Gene Mutation Database (HGMD); Not observed at significant frequency in large population cohorts (gnomAD); Has not been previously published as pathogenic or benign to our knowledge; This variant is associated with the following publications: (PMID: 16444271)

NM_002016.2(FLG):c.5930C>G (p.Ser1977Ter)

Genes: CCDST (cervical cancer associated DHX9 suppressive transcript; plus strand), FLG (filaggrin; minus strand). Cytogenetic location: 1q21.3.
Variant type: single nucleotide variant.
Coding change: c.5930C>G on transcript NM_002016.2 (MANE Select); coding-DNA position 5930, C replaced by G.
Protein change: p.Ser1977Ter; replaces serine 1977 with a stop codon.
Molecular consequence: nonsense.
Genome position (GRCh38, 1-based): chr1:152,308,956, G>C on the plus strand (C>G on the coding strand, the complement: FLG is on the minus strand). VCF-style: chr1-152308956-G-C. GRCh37 (hg19) VCF-style: chr1-152281432-G-C.
Other names: short protein forms S1977*.
Identifiers: ClinVar variation 419221 (VCV000419221.8), dbSNP rs140980397, ClinGen allele CA1105507.